The following is an entry in ClinVar:

NM_014611.3(MDN1):c.14757T>G (p.Gly4919=)

Genes: MDN1 (midasin AAA ATPase 1; minus strand), MDN1-AS1 (MDN1 antisense RNA 1; plus strand), LOC126859739 (BRD4-independent group 4 enhancer GRCh37_chr6:90367565-90368764; plus strand). Cytogenetic location: 6q15.
Variant type: single nucleotide variant.
Coding change: c.14757T>G on transcript NM_014611.3 (MANE Select); coding-DNA position 14757, T replaced by G.
Protein change: p.Gly4919=; no amino-acid change (glycine 4919 retained).
Molecular consequence: synonymous variant.
Genome position (GRCh38, 1-based): chr6:89,658,874, A>C on the plus strand (T>G on the coding strand, the complement: MDN1 is on the minus strand). VCF-style: chr6-89658874-A-C. GRCh37 (hg19) VCF-style: chr6-90368593-A-C.
Identifiers: ClinVar variation 3045534 (VCV003045534.2), dbSNP rs115080892, ClinGen allele CA3922443.

ClinVar aggregate classification (germline): Benign (0 of 4 stars; one submission).

Conditions:
MDN1-related disorder. Also called: MDN1-related condition.

Allele frequency attached by ClinVar (database versions not stated): 1000 Genomes Project 30x 0.00203; 1000 Genomes Project 0.00220; TOPMed 0.00351; ESP Exome Variant Server 0.00384.
gnomAD v4.1: 841 of 1,613,348 alleles (0.052%); highest among the groups gnomAD compares: African/African-American, 1%; 2 homozygotes.

Submission:

PreventionGenetics, part of Exact Sciences
Classification: Benign for MDN1-related condition. Last evaluated: 2019-03-25. Review status: no assertion criteria provided. Collection method: clinical testing. Allele origin: germline.
Comment: This variant is classified as benign based on ACMG/AMP sequence variant interpretation guidelines (Richards et al. 2015 PMID: 25741868, with internal and published modifications).